The following is an entry in ClinVar:

ClinVar aggregate classification (germline): Uncertain significance. Review status: criteria provided, multiple submitters, no conflicts (2 of 4 stars). 2 submissions from 2 submitters: Uncertain significance (2). Last evaluated 2025-01-30.

Conditions:
Hereditary cancer-predisposing syndrome. Also called: Neoplastic Syndromes, Hereditary; Hereditary Cancer Syndrome; Hereditary neoplastic syndrome; Tumor predisposition. Identifiers: Orphanet 140162, MedGen C0027672, MeSH D009386, MONDO:0015356.
Tumor predisposition syndrome 3 (TPDS3). Also called: Glioma susceptibility 9; LONG TELOMERE SYNDROME, POT1-RELATED; POT1 Tumor Predisposition; Melanoma, cutaneous malignant, susceptibility to, 10. Identifiers: Orphanet 618, MedGen C4014476, MONDO:0014368, OMIM 615848.

Allele frequency attached by ClinVar (database versions not stated): gnomAD 0.00001; TOPMed below 0.00001.
gnomAD v4.1: 1 of 1,606,868 alleles (0.000062%); highest among the groups gnomAD compares: African/African-American, 0.0013%; no homozygotes.

Submissions (2):

Labcorp Genetics (formerly Invitae), Labcorp
Classification: Uncertain significance for Tumor predisposition syndrome 3. Last evaluated: 2025-01-30. Review status: criteria provided, single submitter. Criteria: Invitae Variant Classification Sherloc (09022015). Collection method: clinical testing. Allele origin: germline.
Comment: This sequence change replaces arginine, which is basic and polar, with glycine, which is neutral and non-polar, at codon 373 of the POT1 protein (p.Arg373Gly). This variant is not present in population databases (gnomAD no frequency). This variant has not been reported in the literature in individuals affected with POT1-related conditions. ClinVar contains an entry for this variant (Variation ID: 1011696). Invitae Evidence Modeling of protein sequence and biophysical properties (such as structural, functional, and spatial information, amino acid conservation, physicochemical variation, residue mobility, and thermodynamic stability) indicates that this missense variant is not expected to disrupt POT1 protein function with a negative predictive value of 80%. In summary, the available evidence is currently insufficient to determine the role of this variant in disease. Therefore, it has been classified as a Variant of Uncertain Significance.

Ambry Genetics
Classification: Uncertain significance for Hereditary cancer-predisposing syndrome. Last evaluated: 2022-04-19. Review status: criteria provided, single submitter. Criteria: Ambry Variant Classification Scheme 2023. Collection method: clinical testing. Allele origin: germline.
Comment: The p.R373G variant (also known as c.1117A>G), located in coding exon 9 of the POT1 gene, results from an A to G substitution at nucleotide position 1117. The arginine at codon 373 is replaced by glycine, an amino acid with dissimilar properties. This amino acid position is conserved. In addition, this alteration is predicted to be tolerated by in silico analysis. Since supporting evidence is limited at this time, the clinical significance of this alteration remains unclear.

NM_015450.3(POT1):c.1117A>G (p.Arg373Gly)

Gene: POT1 (protection of telomeres 1; minus strand). Cytogenetic location: 7q31.33.
Variant type: single nucleotide variant.
Coding change: c.1117A>G on transcript NM_015450.3 (MANE Select); coding-DNA position 1117, A replaced by G.
Protein change: p.Arg373Gly; replaces arginine 373 with glycine.
Molecular consequence: missense variant. On other transcripts: non-coding transcript variant (3).
Genome position (GRCh38, 1-based): chr7:124,842,853, T>C on the plus strand (A>G on the coding strand, the complement: POT1 is on the minus strand). VCF-style: chr7-124842853-T-C. GRCh37 (hg19) VCF-style: chr7-124482907-T-C.
Other names: c.724A>G, p.Arg242Gly (NM_001042594.2); short protein forms R242G, R373G.
Identifiers: ClinVar variation 1011696 (VCV001011696.11), dbSNP rs971657671, ClinGen allele CA166105604.